The following is an entry in ClinVar:

NM_001003722.2(GLE1):c.1493C>G (p.Ala498Gly)

Genes: GLE1 (GLE1 RNA export mediator; plus strand), LOC101929270 (uncharacterized LOC101929270; minus strand). Cytogenetic location: 9q34.11.
Variant type: single nucleotide variant.
Coding change: c.1493C>G on transcript NM_001003722.2 (MANE Select); coding-DNA position 1493, C replaced by G.
Protein change: p.Ala498Gly; replaces alanine 498 with glycine.
Molecular consequence: missense variant.
Genome position (GRCh38, 1-based): chr9:128,533,798, C>G. VCF-style: chr9-128533798-C-G. GRCh37 (hg19) VCF-style: chr9-131296077-C-G.
Other names: c.1493C>G, p.Ala498Gly (NM_001499.2); short protein forms A498G.
Identifiers: ClinVar variation 914006 (VCV000914006.5), dbSNP rs1847604014, ClinGen allele CA375044239.

ClinVar aggregate classification (germline): Uncertain significance. Review status: criteria provided, multiple submitters, no conflicts (2 of 4 stars). 3 submissions from 2 submitters: Uncertain significance (3). Last evaluated 2025-11-07.

Conditions:
Lethal congenital contracture syndrome 1 (LCCS1). Also called: MULTIPLE CONTRACTURE SYNDROME, FINNISH TYPE. Identifiers: Orphanet 1486, MedGen C1854664, MONDO:0009670, OMIM 253310.
Lethal arthrogryposis-anterior horn cell disease syndrome (CAAHD). Also called: CONGENITAL ARTHROGRYPOSIS WITH ANTERIOR HORN CELL DISEASE. Identifiers: Orphanet 53696, MedGen C5193016, MONDO:0012750, OMIM 611890.

Allele frequency attached by ClinVar (database versions not stated): gnomAD exomes below 0.00001.
gnomAD v4.1: 1 of 1,614,136 alleles (0.000062%); highest among the groups gnomAD compares: Non-Finnish European, 0.000085%; no homozygotes.

Submissions (3):

Women's Health and Genetics/Laboratory Corporation of America, LabCorp
Classification: Uncertain significance. Last evaluated: 2025-11-07. Review status: criteria provided, single submitter. Criteria: LabCorp Variant Classification Summary - May 2015. Collection method: clinical testing. Allele origin: germline.
Comment: Variant summary: GLE1 c.1493C>G (p.Ala498Gly) results in a non-conservative amino acid change in the encoded protein sequence. Algorithms developed to predict the effect of missense changes on protein structure and function all suggest that this variant is likely to be disruptive. The variant was absent in 251492 control chromosomes (gnomAD). The available data on variant occurrences in the general population are insufficient to allow any conclusion about variant significance. c.1493C>G has been observed in at least one individual affected with Lethal Arthrogryposis with Anterior Horn Cell Disease (Ek_2023). These data do not allow any conclusion about variant significance. To our knowledge, no experimental evidence demonstrating an impact on protein function has been reported. The following publication have been ascertained in the context of this evaluation (PMID: 37273706). ClinVar contains an entry for this variant (Variation ID: 914006). Based on the evidence outlined above, the variant was classified as uncertain significance.

Illumina Laboratory Services, Illumina
Classification: Uncertain significance for Lethal congenital contracture syndrome 1. Last evaluated: 2018-01-13. Review status: criteria provided, single submitter. Criteria: ICSL Variant Classification Criteria 13 December 2019. Collection method: clinical testing. Allele origin: germline.

Illumina Laboratory Services, Illumina
Classification: Uncertain significance for Lethal arthrogryposis-anterior horn cell disease syndrome. Last evaluated: 2018-01-13. Review status: criteria provided, single submitter. Criteria: ICSL Variant Classification Criteria 13 December 2019. Collection method: clinical testing. Allele origin: germline.

Literature cited by the submitters: PubMed 37273706 (cited by Women's Health and Genetics/Laboratory Corporation of America, LabCorp).